The following is an entry in ClinVar:

ClinVar aggregate classification (germline): Uncertain significance. Review status: criteria provided, multiple submitters, no conflicts (2 of 4 stars). 2 submissions from 2 submitters: Uncertain significance (2). Last evaluated 2023-08-07.

Conditions:
ABCB6-related disorder. Also called: ABCB6-related condition.

Allele frequency attached by ClinVar (database versions not stated): TOPMed below 0.00001; gnomAD 0.00001.
gnomAD v4.1: 3 of 1,614,100 alleles (0.00019%); highest among the groups gnomAD compares: South Asian, 0.0022%; no homozygotes.

Submissions (2):

PreventionGenetics, part of Exact Sciences
Classification: Uncertain significance for ABCB6-related condition. Last evaluated: 2023-08-07. Review status: criteria provided, single submitter. Criteria: ACMG Guidelines, 2015. Collection method: clinical testing. Allele origin: germline.
Comment: The ABCB6 c.2395G>A variant is predicted to result in the amino acid substitution p.Asp799Asn. To our knowledge, this variant has not been reported in the literature or in a large population database, indicating this variant is rare. At this time, the clinical significance of this variant is uncertain due to the absence of conclusive functional and genetic evidence.

Labcorp Genetics (formerly Invitae), Labcorp
Classification: Uncertain significance. Last evaluated: 2023-01-30. Review status: criteria provided, single submitter. Criteria: Invitae Variant Classification Sherloc (09022015). Collection method: clinical testing. Allele origin: germline.
Comment: This sequence change replaces aspartic acid, which is acidic and polar, with asparagine, which is neutral and polar, at codon 799 of the ABCB6 protein (p.Asp799Asn). This variant is not present in population databases (gnomAD no frequency). This variant has not been reported in the literature in individuals affected with ABCB6-related conditions. Algorithms developed to predict the effect of missense changes on protein structure and function (SIFT, PolyPhen-2, Align-GVGD) all suggest that this variant is likely to be tolerated. In summary, the available evidence is currently insufficient to determine the role of this variant in disease. Therefore, it has been classified as a Variant of Uncertain Significance.

NM_005689.4(ABCB6):c.2395G>A (p.Asp799Asn)

Gene: ABCB6 (ATP binding cassette subfamily B member 6 (LAN blood group); minus strand). Cytogenetic location: 2q35.
Variant type: single nucleotide variant.
Coding change: c.2395G>A on transcript NM_005689.4 (MANE Select); coding-DNA position 2395, G replaced by A.
Protein change: p.Asp799Asn; replaces aspartic acid 799 with asparagine.
Molecular consequence: missense variant.
Genome position (GRCh38, 1-based): chr2:219,210,255, C>T on the plus strand (G>A on the coding strand, the complement: ABCB6 is on the minus strand). VCF-style: chr2-219210255-C-T. GRCh37 (hg19) VCF-style: chr2-220074977-C-T.
Other names: c.2257G>A, p.Asp753Asn (NM_001349828.2); short protein forms D753N, D799N.
Identifiers: ClinVar variation 2631605 (VCV002631605.4), dbSNP rs1460638206, ClinGen allele CA350681608.
Genomic context (GRCh38, chr2:219,210,255, plus strand): 5'-AGAAGACCTGTCCTTTTGATCTATGTGTCTCTTACCGTCCCCTCTCCACGATGCAGCCAT[C>T]CTTGATGACGAGGATCTGGTCAGCATTGACCACAGTTGAGAGCCTGAGAAGTCAAAGATC-3'
Protein context (NP_005680.1, residues 789-809): VNADQILVIK[Asp799Asn]GCIVERGRHE